The following is an entry in ClinVar:

ClinVar aggregate classification (germline): Uncertain significance. Review status: criteria provided, multiple submitters, no conflicts (2 of 4 stars). 2 submissions from 2 submitters: Uncertain significance (2). Last evaluated 2024-01-23.

Conditions:
Hereditary cancer-predisposing syndrome. Also called: Hereditary neoplastic syndrome; Neoplastic Syndromes, Hereditary; Tumor predisposition; Hereditary Cancer Syndrome. Identifiers: Orphanet 140162, MedGen C0027672, MeSH D009386, MONDO:0015356.
Fanconi anemia complementation group J. Also called: BRIP1-Related Fanconi Anemia. Identifiers: Orphanet 84, MedGen C1836860, MONDO:0012187, OMIM 609054.
Familial cancer of breast. Also called: BREAST CANCER, FAMILIAL; Hereditary breast cancer; hereditary breast carcinoma. Identifiers: Orphanet 227535, MedGen C0346153, MONDO:0016419, OMIM 114480. Disease mechanism: loss of function.

Submissions (2):

Ambry Genetics
Classification: Uncertain significance for Hereditary cancer-predisposing syndrome. Last evaluated: 2024-01-23. Review status: criteria provided, single submitter. Criteria: Ambry Variant Classification Scheme 2023. Collection method: clinical testing. Allele origin: germline.

Labcorp Genetics (formerly Invitae), Labcorp
Classification: Uncertain significance for Familial cancer of breast; Fanconi anemia complementation group J. Last evaluated: 2023-08-16. Review status: criteria provided, single submitter. Criteria: Invitae Variant Classification Sherloc (09022015). Collection method: clinical testing. Allele origin: germline.
Comment: Advanced modeling of protein sequence and biophysical properties (such as structural, functional, and spatial information, amino acid conservation, physicochemical variation, residue mobility, and thermodynamic stability) performed at Invitae indicates that this missense variant is not expected to disrupt BRIP1 protein function. In summary, the available evidence is currently insufficient to determine the role of this variant in disease. Therefore, it has been classified as a Variant of Uncertain Significance. This variant has not been reported in the literature in individuals affected with BRIP1-related conditions. This variant is not present in population databases (gnomAD no frequency). This sequence change replaces glutamine, which is neutral and polar, with proline, which is neutral and non-polar, at codon 867 of the BRIP1 protein (p.Gln867Pro).

NM_032043.3(BRIP1):c.2600A>C (p.Gln867Pro)

Gene: BRIP1 (BRCA1 interacting DNA helicase 1; minus strand). Cytogenetic location: 17q23.2.
Variant type: single nucleotide variant.
Coding change: c.2600A>C on transcript NM_032043.3 (MANE Select); coding-DNA position 2600, A replaced by C.
Protein change: p.Gln867Pro; replaces glutamine 867 with proline.
Molecular consequence: missense variant.
Genome position (GRCh38, 1-based): chr17:61,686,141, T>G on the plus strand (A>C on the coding strand, the complement: BRIP1 is on the minus strand). VCF-style: chr17-61686141-T-G. GRCh37 (hg19) VCF-style: chr17-59763502-T-G.
Other names: short protein forms Q867P.
Identifiers: ClinVar variation 2950990 (VCV002950990.4), dbSNP rs747213803, ClinGen allele CA400481969.